The following is an entry in ClinVar:

NM_002335.4(LRP5):c.1021G>A (p.Glu341Lys)

Gene: LRP5 (LDL receptor related protein 5; plus strand). Cytogenetic location: 11q13.2.
Variant type: single nucleotide variant.
Coding change: c.1021G>A on transcript NM_002335.4 (MANE Select); coding-DNA position 1021, G replaced by A.
Protein change: p.Glu341Lys; replaces glutamic acid 341 with lysine.
Molecular consequence: missense variant. On other transcripts: 5 prime UTR variant (1).
Genome position (GRCh38, 1-based): chr11:68,386,321, G>A. VCF-style: chr11-68386321-G-A. GRCh37 (hg19) VCF-style: chr11-68153789-G-A.
Other names: c.1021G>A (NM_002335.3); c.-745G>A (NM_001291902.2); short protein forms E341K.
Identifiers: ClinVar variation 623782 (VCV000623782.54), dbSNP rs184945579, ClinGen allele CA6149224.
Genomic context (GRCh38, chr11:68,386,321, plus strand): 5'-ACTTGTGCCTGCTGCAGGCCCTTGACCCCTGACCCCATTGCACCTGTCTCCACAGGAGCC[G>A]AGGAGGTGCTGCTGCTGGCCCGGCGGACGGACCTACGGAGGATCTCGCTGGACACGCCGG-3'
Protein context (NP_002326.2, residues 331-351): DNGRTCKAGA[Glu341Lys]EVLLLARRTD

ClinVar aggregate classification (germline): Uncertain significance. Review status: criteria provided, multiple submitters, no conflicts (2 of 4 stars). 6 submissions from 5 submitters: Uncertain significance (6). Last evaluated 2025-03-17.

Conditions:
Osteoporosis. Identifiers: MedGen C0029456, MONDO:0005298, OMIM 166710, HP:0000939.
Exudative vitreoretinopathy 1 (EVR1). Also called: FEVR, AUTOSOMAL DOMINANT; Familial exudative vitreoretinopathy, autosomal dominant; CRISWICK-SCHEPENS SYNDROME. Identifiers: Orphanet 891, Orphanet 90050, MedGen C1851402, MONDO:0007589, OMIM 133780.
Worth disease. Also called: Autosomal dominant osteosclerosis, Worth type; OSTEOSCLEROSIS, AUTOSOMAL DOMINANT; ENDOSTEAL HYPEROSTOSIS, AUTOSOMAL DOMINANT. Identifiers: Orphanet 2790, MedGen C0432273, MONDO:0007764, OMIM 144750.
Osteoporosis with pseudoglioma (OPPG). Also called: osteoporosis-pseudoglioma syndrome. Identifiers: Orphanet 2788, MedGen C0432252, MONDO:0009820, OMIM 259770.
Bone mineral density quantitative trait locus 1 (BMND1). Identifiers: MedGen C1866079, OMIM 601884.
Polycystic liver disease 4 with or without kidney cysts. Identifiers: MedGen C4693479, MONDO:0044327, OMIM 617875.
Autosomal dominant osteopetrosis 1 (OPTA1). Also called: OSTEOPETROSIS, AUTOSOMAL DOMINANT, TYPE I. Identifiers: Orphanet 2783, MedGen C1843330, MONDO:0011877, OMIM 607634.
Exudative vitreoretinopathy 4 (EVR4). Identifiers: Orphanet 891, MedGen C1866176, MONDO:0011151, OMIM 601813.
LRP5-related disorder. Also called: LRP5-related condition.

Allele frequency attached by ClinVar (database versions not stated): gnomAD 0.00001 and 0.00003; ExAC 0.00002; gnomAD exomes 0.00002 and 0.00003; TOPMed 0.00003; 1000 Genomes Project 30x 0.00031; 1000 Genomes Project 0.00040.
gnomAD v4.1: 34 of 1,612,036 alleles (0.0021%); highest among the groups gnomAD compares: East Asian, 0.016%; no homozygotes.

Submissions (6):

Labcorp Genetics (formerly Invitae), Labcorp
Classification: Uncertain significance. Last evaluated: 2025-03-17. Review status: criteria provided, single submitter. Criteria: Invitae Variant Classification Sherloc (09022015). Collection method: clinical testing. Allele origin: germline.
Comment: This sequence change replaces glutamic acid, which is acidic and polar, with lysine, which is basic and polar, at codon 341 of the LRP5 protein (p.Glu341Lys). This variant is present in population databases (rs184945579, gnomAD 0.01%). This missense change has been observed in individual(s) with low bone mass (PMID: 34639175). ClinVar contains an entry for this variant (Variation ID: 623782). Invitae Evidence Modeling of protein sequence and biophysical properties (such as structural, functional, and spatial information, amino acid conservation, physicochemical variation, residue mobility, and thermodynamic stability) indicates that this missense variant is not expected to disrupt LRP5 protein function with a negative predictive value of 95%. In summary, the available evidence is currently insufficient to determine the role of this variant in disease. Therefore, it has been classified as a Variant of Uncertain Significance.

PreventionGenetics, part of Exact Sciences
Classification: Uncertain significance for LRP5-related condition. Last evaluated: 2024-12-26. Review status: criteria provided, single submitter. Criteria: ACMG Guidelines, 2015. Collection method: clinical testing. Allele origin: germline.
Comment: The LRP5 c.1021G>A variant is predicted to result in the amino acid substitution p.Glu341Lys. To our knowledge, this variant has not been reported in the literature. This variant is reported in 0.012% of alleles in individuals of Latino descent in gnomAD. At this time, the clinical significance of this variant is uncertain due to the absence of conclusive functional and genetic evidence.

Baylor Genetics
Classification: Uncertain significance for Osteoporosis. Last evaluated: 2023-04-14. Review status: criteria provided, single submitter. Criteria: ACMG Guidelines, 2015. Collection method: clinical testing. Allele origin: unknown.

Fulgent Genetics
Classification: Uncertain significance for Exudative vitreoretinopathy 1; Worth disease; Osteoporosis; Osteoporosis with pseudoglioma; Exudative vitreoretinopathy 4; Bone mineral density quantitative trait locus 1; Autosomal dominant osteopetrosis 1; Polycystic liver disease 4 with or without kidney cysts. Last evaluated: 2021-07-08. Review status: criteria provided, single submitter. Criteria: ACMG Guidelines, 2015. Collection method: clinical testing. Allele origin: unknown.

Baylor Genetics
Classification: Uncertain significance for Exudative vitreoretinopathy 4. Last evaluated: 2019-03-28. Review status: criteria provided, single submitter. Criteria: ACMG Guidelines, 2015. Collection method: clinical testing. Allele origin: maternal. Affected: yes.
Comment: This variant was determined to be of uncertain significance according to ACMG Guidelines, 2015 [PMID:25741868].

CeGaT Center for Human Genetics Tuebingen
Classification: Uncertain significance. Last evaluated: 2018-10-01. Review status: criteria provided, single submitter. Criteria: CeGaT Center For Human Genetics Tuebingen Variant Classification Criteria Version 2. Collection method: clinical testing. Allele origin: germline. Affected: yes. Observed: 3 variant alleles.

Literature cited by the submitters: PubMed 34639175 (cited by Labcorp Genetics (formerly Invitae), Labcorp).